The following is an entry in ClinVar:

NM_002299.4(LCT):c.2310A>C (p.Leu770Phe)

Gene: LCT (lactase; minus strand). Cytogenetic location: 2q21.3.
Variant type: single nucleotide variant.
Coding change: c.2310A>C on transcript NM_002299.4 (MANE Select); coding-DNA position 2310, A replaced by C.
Protein change: p.Leu770Phe; replaces leucine 770 with phenylalanine.
Molecular consequence: missense variant.
Genome position (GRCh38, 1-based): chr2:135,812,354, T>G on the plus strand (A>C on the coding strand, the complement: LCT is on the minus strand). VCF-style: chr2-135812354-T-G. GRCh37 (hg19) VCF-style: chr2-136569924-T-G.
Other names: short protein forms L770F.
Identifiers: ClinVar variation 894496 (VCV000894496.6), dbSNP rs148593528, ClinGen allele CA1888263.
Genomic context (GRCh38, chr2:135,812,354, plus strand): 5'-ACATCCATTGTTCTTACCCTTGAGCACCTCATTGATATATTGATTGAAGTAGTCTACTCT[T>G]AAGGAATCATCAAAGAGATTTTCACTTTCCCCTATGGGCATGCCATTCCCGGCAAGGTAT-3'
Protein context (NP_002290.2, residues 760-780): GESENLFDDS[Leu770Phe]RVDYFNQYIN

ClinVar aggregate classification (germline): Uncertain significance. Review status: criteria provided, multiple submitters, no conflicts (2 of 4 stars). 3 submissions from 3 submitters: Uncertain significance (3). Last evaluated 2023-12-19.

Conditions:
Congenital lactase deficiency. Also called: ALACTASIA, CONGENITAL; DISACCHARIDE INTOLERANCE II. Identifiers: Orphanet 53690, MedGen C0268179, MONDO:0009115, OMIM 223000.
Inborn genetic diseases. Identifiers: MedGen C0950123, MeSH D030342.

Allele frequency attached by ClinVar (database versions not stated): TOPMed 0.00006; gnomAD exomes 0.00009; ExAC 0.00008; ESP Exome Variant Server 0.00008.
gnomAD v4.1: 73 of 1,613,828 alleles (0.0045%); highest among the groups gnomAD compares: Middle Eastern, 0.033%; no homozygotes.

Submissions (3):

Ambry Genetics
Classification: Uncertain significance for Inborn genetic diseases. Last evaluated: 2023-12-19. Review status: criteria provided, single submitter. Criteria: Ambry Variant Classification Scheme 2023. Collection method: clinical testing. Allele origin: germline.

Labcorp Genetics (formerly Invitae), Labcorp
Classification: Uncertain significance. Last evaluated: 2022-07-06. Review status: criteria provided, single submitter. Criteria: Invitae Variant Classification Sherloc (09022015). Collection method: clinical testing. Allele origin: germline.
Comment: This sequence change replaces leucine, which is neutral and non-polar, with phenylalanine, which is neutral and non-polar, at codon 770 of the LCT protein (p.Leu770Phe). This variant is present in population databases (rs148593528, gnomAD 0.2%). This variant has not been reported in the literature in individuals affected with LCT-related conditions. ClinVar contains an entry for this variant (Variation ID: 894496). Algorithms developed to predict the effect of missense changes on protein structure and function output the following: SIFT: "Not Available"; PolyPhen-2: "Benign"; Align-GVGD: "Not Available". The phenylalanine amino acid residue is found in multiple mammalian species, which suggests that this missense change does not adversely affect protein function. In summary, the available evidence is currently insufficient to determine the role of this variant in disease. Therefore, it has been classified as a Variant of Uncertain Significance.

Illumina Laboratory Services, Illumina
Classification: Uncertain significance for Congenital lactase deficiency. Last evaluated: 2018-01-12. Review status: criteria provided, single submitter. Criteria: ICSL Variant Classification Criteria 13 December 2019. Collection method: clinical testing. Allele origin: germline.